The following is an entry in ClinVar:

ClinVar aggregate classification (germline): Benign/Likely benign. Review status: criteria provided, multiple submitters, no conflicts (2 of 4 stars). 3 submissions from 3 submitters: Benign (1); Likely benign (2). Last evaluated 2024-09-26.

Conditions:
Familial melanoma. Also called: Hereditary melanoma; Hereditary cutaneous melanoma. Identifiers: Orphanet 618, MedGen C1512419, MONDO:0018961.
Hereditary cancer-predisposing syndrome. Also called: Neoplastic Syndromes, Hereditary; Hereditary Cancer Syndrome; Hereditary neoplastic syndrome; Tumor predisposition. Identifiers: Orphanet 140162, MedGen C0027672, MeSH D009386, MONDO:0015356.
Melanoma, cutaneous malignant, susceptibility to, 3. Also called: Cutaneous malignant melanoma 3. Identifiers: Orphanet 618, MedGen C1836892, MONDO:0012183, OMIM 609048.

Submissions (3):

Myriad Genetics, Inc.
Classification: Benign for Melanoma, cutaneous malignant, susceptibility to, 3. Last evaluated: 2024-09-26. Review status: criteria provided, single submitter. Criteria: Myriad Autosomal Dominant, Autosomal Recessive and X-Linked Classification Criteria (2023). Collection method: clinical testing. Allele origin: unknown.
Comment: This variant is considered benign. This variant is a silent/synonymous amino acid change and it is not expected to impact splicing.

Labcorp Genetics (formerly Invitae), Labcorp
Classification: Likely benign for Familial melanoma. Last evaluated: 2024-05-20. Review status: criteria provided, single submitter. Criteria: Invitae Variant Classification Sherloc (09022015). Collection method: clinical testing. Allele origin: germline.

Ambry Genetics
Classification: Likely benign for Hereditary cancer-predisposing syndrome. Last evaluated: 2024-03-17. Review status: criteria provided, single submitter. Criteria: Ambry Variant Classification Scheme 2023. Collection method: clinical testing. Allele origin: germline.

NM_000075.4(CDK4):c.630A>G (p.Arg210=)

Gene: CDK4 (cyclin dependent kinase 4; minus strand). Cytogenetic location: 12q14.1.
Variant type: single nucleotide variant.
Coding change: c.630A>G on transcript NM_000075.4 (MANE Select); coding-DNA position 630, A replaced by G.
Protein change: p.Arg210=; no amino-acid change (arginine 210 retained).
Molecular consequence: synonymous variant.
Genome position (GRCh38, 1-based): chr12:57,750,658, T>C on the plus strand (A>G on the coding strand, the complement: CDK4 is on the minus strand). VCF-style: chr12-57750658-T-C. GRCh37 (hg19) VCF-style: chr12-58144441-T-C.
Other names: c.630A>G (NM_000075.3).
Identifiers: ClinVar variation 1121591 (VCV001121591.11), dbSNP rs1012477745, ClinGen allele CA385545521.